The following is an entry in ClinVar:

ClinVar aggregate classification (germline): Uncertain significance (1 of 4 stars; one submission).

Submission:

Ambry Genetics
Classification: Uncertain significance. Last evaluated: 2024-04-19. Review status: criteria provided, single submitter. Criteria: Ambry Variant Classification Scheme 2023. Collection method: clinical testing. Allele origin: germline.
Comment: The p.I1843S variant (also known as c.5528T>G), located in coding exon 41 of the PRKDC gene, results from a T to G substitution at nucleotide position 5528. The isoleucine at codon 1843 is replaced by serine, an amino acid with dissimilar properties. This amino acid position is conserved. In addition, this alteration is predicted to be tolerated by in silico analysis. Based on the available evidence, the clinical significance of this variant remains unclear.

NM_006904.7(PRKDC):c.5528T>G (p.Ile1843Ser)

Gene: PRKDC (protein kinase, DNA-activated, catalytic subunit; minus strand). Cytogenetic location: 8q11.21.
Variant type: single nucleotide variant.
Coding change: c.5528T>G on transcript NM_006904.7 (MANE Select); coding-DNA position 5528, T replaced by G.
Protein change: p.Ile1843Ser; replaces isoleucine 1843 with serine.
Molecular consequence: missense variant.
Genome position (GRCh38, 1-based): chr8:47,864,599, A>C on the plus strand (T>G on the coding strand, the complement: PRKDC is on the minus strand). VCF-style: chr8-47864599-A-C. GRCh37 (hg19) VCF-style: chr8-48777160-A-C.
Other names: c.5528T>G, p.Ile1843Ser (NM_001081640.2); short protein forms I1843S.
Identifiers: ClinVar variation 3310036 (VCV003310036.1).